The following is an entry in ClinVar:

ClinVar aggregate classification (germline): Uncertain significance (1 of 4 stars; one submission).

Allele frequency attached by ClinVar (database versions not stated): gnomAD exomes below 0.00001.
gnomAD v4.1: 2 of 1,569,896 alleles (0.00013%); highest among the groups gnomAD compares: Non-Finnish European, 0.00017%; no homozygotes.

Submission:

Labcorp Genetics (formerly Invitae), Labcorp
Classification: Uncertain significance. Last evaluated: 2022-07-29. Review status: criteria provided, single submitter. Criteria: Invitae Variant Classification Sherloc (09022015). Collection method: clinical testing. Allele origin: germline.
Comment: This sequence change replaces proline, which is neutral and non-polar, with serine, which is neutral and polar, at codon 473 of the GEN1 protein (p.Pro473Ser). This variant is not present in population databases (gnomAD no frequency). This variant has not been reported in the literature in individuals affected with GEN1-related conditions. Algorithms developed to predict the effect of missense changes on protein structure and function output the following: SIFT: "Tolerated"; PolyPhen-2: "Benign"; Align-GVGD: "Class C0". The serine amino acid residue is found in multiple mammalian species, which suggests that this missense change does not adversely affect protein function. In summary, the available evidence is currently insufficient to determine the role of this variant in disease. Therefore, it has been classified as a Variant of Uncertain Significance.

NM_001130009.3(GEN1):c.1417C>T (p.Pro473Ser)

Gene: GEN1 (GEN1 structure-specific endonuclease; plus strand). Cytogenetic location: 2p24.2.
Variant type: single nucleotide variant.
Coding change: c.1417C>T on transcript NM_001130009.3 (MANE Select); coding-DNA position 1417, C replaced by T.
Protein change: p.Pro473Ser; replaces proline 473 with serine.
Molecular consequence: missense variant.
Genome position (GRCh38, 1-based): chr2:17,780,629, C>T. VCF-style: chr2-17780629-C-T. GRCh37 (hg19) VCF-style: chr2-17961896-C-T.
Other names: c.1417C>T, p.Pro473Ser (NM_182625.5); short protein forms P473S.
Identifiers: ClinVar variation 1968584 (VCV001968584.5), dbSNP rs2545625928, ClinGen allele CA345925724.
Genomic context (GRCh38, chr2:17,780,629, plus strand): 5'-AGTTAAAGCAAAGAAAATAAATGTTGATTATATGTATTTTTTTTCTTTTCAGGTATTAAG[C>T]CTAAAGAAAACAATTTGCCAGAACCAGATGAAGTAATGAGCTTTCAGTCACACATGACTT-3'
Protein context (NP_001123481.3, residues 463-483): IKGKKQKRIK[Pro473Ser]KENNLPEPDE